The following is an entry in ClinVar:

NM_000038.6(APC):c.4670T>G (p.Ile1557Ser)

Gene: APC (APC regulator of Wnt signaling pathway; plus strand). Cytogenetic location: 5q22.2.
Variant type: single nucleotide variant.
Coding change: c.4670T>G on transcript NM_000038.6 (MANE Select); coding-DNA position 4670, T replaced by G.
Protein change: p.Ile1557Ser; replaces isoleucine 1557 with serine.
Molecular consequence: missense variant.
Genome position (GRCh38, 1-based): chr5:112,840,264, T>G. VCF-style: chr5-112840264-T-G. GRCh37 (hg19) VCF-style: chr5-112175961-T-G.
Other names: c.4670T>G, p.Ile1557Ser (NM_001127510.3, NM_001354895.2); c.4616T>G, p.Ile1539Ser (NM_001127511.3); c.4724T>G, p.Ile1575Ser (NM_001354896.2); c.4700T>G, p.Ile1567Ser (NM_001354897.2); c.4595T>G, p.Ile1532Ser (NM_001354898.2); c.4586T>G, p.Ile1529Ser (NM_001354899.2); c.4547T>G, p.Ile1516Ser (NM_001354900.2); c.4493T>G, p.Ile1498Ser (NM_001354901.2); and 5 more; short protein forms I1539S, I1557S, I1274S, I1466S, I1516S, I1456S, I1498S, I1529S.
Identifiers: ClinVar variation 576540 (VCV000576540.28), dbSNP rs769121879, ClinGen allele CA16031569.

ClinVar aggregate classification (germline): Uncertain significance. Review status: criteria provided, multiple submitters, no conflicts (2 of 4 stars). 4 submissions from 4 submitters: Uncertain significance (4). Last evaluated 2025-04-17.

Conditions:
Familial adenomatous polyposis 1 (FAP1). Also called: POLYPOSIS, ADENOMATOUS INTESTINAL; FAMILIAL ADENOMATOUS POLYPOSIS 1, ATTENUATED. Identifiers: MedGen C2713442, MONDO:0021056, OMIM 175100. Disease mechanism: loss of function.
Hereditary cancer-predisposing syndrome. Also called: Tumor predisposition; Hereditary Cancer Syndrome; Hereditary neoplastic syndrome; Neoplastic Syndromes, Hereditary. Identifiers: Orphanet 140162, MedGen C0027672, MeSH D009386, MONDO:0015356.

Submissions (4):

Ambry Genetics
Classification: Uncertain significance for Hereditary cancer-predisposing syndrome. Last evaluated: 2025-04-17. Review status: criteria provided, single submitter. Criteria: Ambry Variant Classification Scheme 2023. Collection method: clinical testing. Allele origin: germline.
Comment: The p.I1557S variant (also known as c.4670T>G), located in coding exon 15 of the APC gene, results from a T to G substitution at nucleotide position 4670. The isoleucine at codon 1557 is replaced by serine, an amino acid with dissimilar properties. This amino acid position is conserved. In addition, in silico predictors for this gene do not accurately predict pathogenicity. Based on the available evidence, the clinical significance of this variant remains unclear.

CeGaT Center for Human Genetics Tuebingen
Classification: Uncertain significance. Last evaluated: 2024-10-01. Review status: criteria provided, single submitter. Criteria: CeGaT Center For Human Genetics Tuebingen Variant Classification Criteria Version 2. Collection method: clinical testing. Allele origin: germline. Affected: yes. Observed: 1 variant allele.
Comment: APC: PM2, BP4

Labcorp Genetics (formerly Invitae), Labcorp
Classification: Uncertain significance for Familial adenomatous polyposis 1. Last evaluated: 2024-09-19. Review status: criteria provided, single submitter. Criteria: Invitae Variant Classification Sherloc (09022015). Collection method: clinical testing. Allele origin: germline.
Comment: This sequence change replaces isoleucine, which is neutral and non-polar, with serine, which is neutral and polar, at codon 1557 of the APC protein (p.Ile1557Ser). This variant is not present in population databases (gnomAD no frequency). This variant has not been reported in the literature in individuals affected with APC-related conditions. ClinVar contains an entry for this variant (Variation ID: 576540). Invitae Evidence Modeling of protein sequence and biophysical properties (such as structural, functional, and spatial information, amino acid conservation, physicochemical variation, residue mobility, and thermodynamic stability) indicates that this missense variant is not expected to disrupt APC protein function with a negative predictive value of 95%. In summary, the available evidence is currently insufficient to determine the role of this variant in disease. Therefore, it has been classified as a Variant of Uncertain Significance.

Color Diagnostics, LLC DBA Color Health
Classification: Uncertain significance for Hereditary cancer-predisposing syndrome. Last evaluated: 2023-12-05. Review status: criteria provided, single submitter. Criteria: ACMG Guidelines, 2015. Collection method: clinical testing. Allele origin: germline.
Comment: This missense variant replaces isoleucine with serine at codon 1557 of the APC protein. Computational prediction suggests that this variant may not impact protein structure and function (internally defined REVEL score threshold <= 0.5, PMID: 27666373). To our knowledge, functional studies have not been reported for this variant. This variant has not been reported in individuals affected with APC-related disorders in the literature. This variant has not been identified in the general population by the Genome Aggregation Database (gnomAD). The available evidence is insufficient to determine the role of this variant in disease conclusively. Therefore, this variant is classified as a Variant of Uncertain Significance.